The following is an entry in ClinVar:

ClinVar aggregate classification (germline): Uncertain significance. Review status: criteria provided, multiple submitters, no conflicts (2 of 4 stars). 3 submissions from 3 submitters: Uncertain significance (3). Last evaluated 2024-09-24.

Conditions:
Hereditary cancer-predisposing syndrome. Also called: Neoplastic Syndromes, Hereditary; Tumor predisposition; Hereditary neoplastic syndrome; Hereditary Cancer Syndrome. Identifiers: Orphanet 140162, MedGen C0027672, MeSH D009386, MONDO:0015356.
Hereditary nonpolyposis colorectal neoplasms. Identifiers: MedGen C0009405, MeSH D003123.

Submissions (3):

Labcorp Genetics (formerly Invitae), Labcorp
Classification: Uncertain significance for Hereditary nonpolyposis colorectal neoplasms. Last evaluated: 2024-09-24. Review status: criteria provided, single submitter. Criteria: Invitae Variant Classification Sherloc (09022015). Collection method: clinical testing. Allele origin: germline.
Comment: This sequence change replaces cysteine, which is neutral and slightly polar, with phenylalanine, which is neutral and non-polar, at codon 1003 of the MSH6 protein (p.Cys1003Phe). This variant is not present in population databases (gnomAD no frequency). This variant has not been reported in the literature in individuals affected with MSH6-related conditions. ClinVar contains an entry for this variant (Variation ID: 579231). Invitae Evidence Modeling of protein sequence and biophysical properties (such as structural, functional, and spatial information, amino acid conservation, physicochemical variation, residue mobility, and thermodynamic stability) indicates that this missense variant is not expected to disrupt MSH6 protein function with a negative predictive value of 95%. In summary, the available evidence is currently insufficient to determine the role of this variant in disease. Therefore, it has been classified as a Variant of Uncertain Significance.

GeneDx
Classification: Uncertain significance. Last evaluated: 2024-07-16. Review status: criteria provided, single submitter. Criteria: GeneDx Variant Classification Process June 2021. Collection method: clinical testing. Allele origin: germline. Affected: yes.
Comment: Not observed at significant frequency in large population cohorts (gnomAD); In silico analysis indicates that this missense variant does not alter protein structure/function; Has not been previously published as pathogenic or benign to our knowledge; This variant is associated with the following publications: (PMID: 17531815, 21120944)

Ambry Genetics
Classification: Uncertain significance for Hereditary cancer-predisposing syndrome. Last evaluated: 2022-11-23. Review status: criteria provided, single submitter. Criteria: Ambry Variant Classification Scheme 2023. Collection method: clinical testing. Allele origin: germline.
Comment: The p.C1003F variant (also known as c.3008G>T), located in coding exon 4 of the MSH6 gene, results from a G to T substitution at nucleotide position 3008. The cysteine at codon 1003 is replaced by phenylalanine, an amino acid with highly dissimilar properties. This amino acid position is conserved. In addition, the in silico prediction for this alteration is inconclusive. Since supporting evidence is limited at this time, the clinical significance of this alteration remains unclear.

NM_000179.3(MSH6):c.3008G>T (p.Cys1003Phe)

Gene: MSH6 (mutS homolog 6; plus strand). Cytogenetic location: 2p16.3.
Variant type: single nucleotide variant.
Coding change: c.3008G>T on transcript NM_000179.3 (MANE Select); coding-DNA position 3008, G replaced by T.
Protein change: p.Cys1003Phe; replaces cysteine 1003 with phenylalanine.
Molecular consequence: missense variant.
Genome position (GRCh38, 1-based): chr2:47,800,991, G>T. VCF-style: chr2-47800991-G-T. GRCh37 (hg19) VCF-style: chr2-48028130-G-T.
Other names: c.2618G>T, p.Cys873Phe (NM_001281492.2); c.2102G>T, p.Cys701Phe (NM_001281493.2, NM_001281494.2); short protein forms C1003F, C701F, C873F.
Identifiers: ClinVar variation 579231 (VCV000579231.14), dbSNP rs1558667696, ClinGen allele CA346756413.